The following is an entry in ClinVar:

ClinVar aggregate classification (germline): Pathogenic/Likely pathogenic. Review status: criteria provided, multiple submitters, no conflicts (2 of 4 stars). 4 submissions from 4 submitters: Pathogenic (2); Likely pathogenic (1). 1 of the submissions does not count toward it. Last evaluated 2025-05-31.

Conditions:
KCNV2-related disorder. Also called: KCNV2-related condition.
cone dystrophy with supernormal rod electroretinogram.
Cone dystrophy with supernormal rod response (CDSRR). Also called: CONE DYSTROPHY WITH SUPERNORMAL ROD RESPONSES. Identifiers: Orphanet 209932, MedGen C1835897, MONDO:0012475, OMIM 610356.

Allele frequency attached by ClinVar (database versions not stated): TOPMed below 0.00001; gnomAD 0.00001; gnomAD exomes 0.00001 and 0.00003; ExAC 0.00002.
gnomAD v4.1: 18 of 1,613,064 alleles (0.0011%); highest among the groups gnomAD compares: South Asian, 0.015%; no homozygotes.

Submissions (4):

Labcorp Genetics (formerly Invitae), Labcorp
Classification: Pathogenic. Last evaluated: 2025-05-31. Review status: criteria provided, single submitter. Criteria: Invitae Variant Classification Sherloc (09022015). Collection method: clinical testing. Allele origin: germline.
Comment: This sequence change replaces arginine, which is basic and polar, with cysteine, which is neutral and slightly polar, at codon 320 of the KCNV2 protein (p.Arg320Cys). This variant is present in population databases (rs754275640, gnomAD 0.02%). This missense change has been observed in individual(s) with retinal cone dystrophy (PMID: 23725738, 31456290, 35456422). In at least one individual the data is consistent with being in trans (on the opposite chromosome) from a pathogenic variant. It has also been observed to segregate with disease in related individuals. ClinVar contains an entry for this variant (Variation ID: 812343). Invitae Evidence Modeling of protein sequence and biophysical properties (such as structural, functional, and spatial information, amino acid conservation, physicochemical variation, residue mobility, and thermodynamic stability) indicates that this missense variant is expected to disrupt KCNV2 protein function with a positive predictive value of 95%. For these reasons, this variant has been classified as Pathogenic.

Blueprint Genetics
Classification: Pathogenic for KCNV2-related disorders. Last evaluated: 2022-09-14. Review status: criteria provided, single submitter. Criteria: ACMG Guidelines, 2015. Collection method: clinical testing. Allele origin: germline. Affected: yes. Observed: 3 variant alleles.

Neuberg Centre For Genomic Medicine, NCGM
Classification: Likely pathogenic for Cone dystrophy with supernormal rod response. Review status: criteria provided, single submitter. Criteria: ACMG Guidelines, 2015. Collection method: clinical testing. Allele origin: germline. Inheritance: Autosomal recessive inheritance. Affected: yes.

Sharon lab, Hadassah-Hebrew University Medical Center
Classification: Pathogenic for cone dystrophy with supernormal rod electroretinogram. Last evaluated: 2019-06-23. Review status: no assertion criteria provided. Collection method: research. Allele origin: inherited. Affected: yes. Not counted in ClinVar's aggregate classification.

Literature cited by the submitters: PubMed 23725738 (cited by Labcorp Genetics (formerly Invitae), Labcorp); PubMed 31456290 (cited by Labcorp Genetics (formerly Invitae), Labcorp); PubMed 35456422 (cited by Labcorp Genetics (formerly Invitae), Labcorp).

NM_133497.4(KCNV2):c.958C>T (p.Arg320Cys)

Gene: KCNV2 (potassium voltage-gated channel modifier subfamily V member 2; plus strand). Cytogenetic location: 9p24.2.
Variant type: single nucleotide variant.
Coding change: c.958C>T on transcript NM_133497.4 (MANE Select); coding-DNA position 958, C replaced by T.
Protein change: p.Arg320Cys; replaces arginine 320 with cysteine.
Molecular consequence: missense variant.
Genome position (GRCh38, 1-based): chr9:2,718,697, C>T. VCF-style: chr9-2718697-C-T. GRCh37 (hg19) VCF-style: chr9-2718697-C-T.
Other names: short protein forms R320C.
Identifiers: ClinVar variation 812343 (VCV000812343.11), dbSNP rs754275640, ClinGen allele CA4965700.
Genomic context (GRCh38, chr9:2,718,697, plus strand): 5'-CCCATCCTGGAGCACGTGGAGATGCTGTGCATGGGCTTCTTCACGCTCGAGTACCTGCTG[C>T]GCCTAGCCTCCACGCCCGACCTGAGGCGCTTCGCGCGCAGCGCCCTCAACCTGGTGGACC-3'
Protein context (NP_598004.1, residues 310-330): MGFFTLEYLL[Arg320Cys]LASTPDLRRF